The following is an entry in ClinVar:

ClinVar aggregate classification (germline): Uncertain significance (1 of 4 stars; one submission).

Allele frequency attached by ClinVar (database versions not stated): ExAC 0.00001; TOPMed 0.00001.
gnomAD v4.1: 3 of 1,612,876 alleles (0.00019%); highest among the groups gnomAD compares: Non-Finnish European, 0.00025%; no homozygotes.

Submission:

Labcorp Genetics (formerly Invitae), Labcorp
Classification: Uncertain significance. Last evaluated: 2025-10-27. Review status: criteria provided, single submitter. Criteria: Invitae Variant Classification Sherloc (09022015). Collection method: clinical testing. Allele origin: germline.
Comment: This sequence change replaces proline, which is neutral and non-polar, with histidine, which is basic and polar, at codon 506 of the RELB protein (p.Pro506His). This variant is present in population databases (rs749371552, gnomAD 0.0009%). This variant has not been reported in the literature in individuals affected with RELB-related conditions. ClinVar contains an entry for this variant (Variation ID: 2415874). An algorithm developed to predict the effect of missense changes on protein structure and function (PolyPhen-2) suggests that this variant is likely to be disruptive. In summary, the available evidence is currently insufficient to determine the role of this variant in disease. Therefore, it has been classified as a Variant of Uncertain Significance.

NM_006509.4(RELB):c.1517C>A (p.Pro506His)

Gene: RELB (RELB proto-oncogene, NF-kB subunit; plus strand). Cytogenetic location: 19q13.32.
Variant type: single nucleotide variant.
Coding change: c.1517C>A on transcript NM_006509.4 (MANE Select); coding-DNA position 1517, C replaced by A.
Protein change: p.Pro506His; replaces proline 506 with histidine.
Molecular consequence: missense variant.
Genome position (GRCh38, 1-based): chr19:45,037,567, C>A. VCF-style: chr19-45037567-C-A. GRCh37 (hg19) VCF-style: chr19-45540825-C-A.
Other names: c.1508C>A, p.Pro503His (NM_001411087.1); short protein forms P503H, P506H.
Identifiers: ClinVar variation 2415874 (VCV002415874.6), dbSNP rs749371552, ClinGen allele CA9507888.